The following is an entry in ClinVar:

NM_000135.4(FANCA):c.1716-6T>C

Gene: FANCA (FA complementation group A; minus strand). Cytogenetic location: 16q24.3.
Variant type: single nucleotide variant.
Coding change: c.1716-6T>C on transcript NM_000135.4 (MANE Select); 6 bases into the intron before coding-DNA position 1716, T replaced by C.
Molecular consequence: intron variant.
Genome position (GRCh38, 1-based): chr16:89,779,009, A>G on the plus strand (T>C on the coding strand, the complement: FANCA is on the minus strand). VCF-style: chr16-89779009-A-G. GRCh37 (hg19) VCF-style: chr16-89845417-A-G.
Other names: c.1716-6T>C (NM_001286167.3).
Identifiers: ClinVar variation 1060087 (VCV001060087.6), dbSNP rs2143424754, ClinGen allele CA2499223850.
Genomic context (GRCh38, chr16:89,779,009, plus strand): 5'-AGGTGTGAGCAGGGCGGGGAGGAAGTGGGACACGTAGTAAGGCCTCCTGAATATGCTGCA[A>G]CACAGAGAAGCAGACAGTGCATCAGTCAGAGCAGCGAGAAGGCAATTCCCACAGACGGTG-3'

ClinVar aggregate classification (germline): Uncertain significance (1 of 4 stars; one submission).

Conditions:
Fanconi anemia (FA). Also called: Fanconi's anemia. Identifiers: Orphanet 84, MedGen C0015625, MeSH D005199, MONDO:0019391.

Submission:

Labcorp Genetics (formerly Invitae), Labcorp
Classification: Uncertain significance for Fanconi anemia. Last evaluated: 2022-03-05. Review status: criteria provided, single submitter. Criteria: Invitae Variant Classification Sherloc (09022015). Collection method: clinical testing. Allele origin: germline.
Comment: This sequence change falls in intron 18 of the FANCA gene. It does not directly change the encoded amino acid sequence of the FANCA protein. This variant is not present in population databases (gnomAD no frequency). This variant has not been reported in the literature in individuals affected with FANCA-related conditions. ClinVar contains an entry for this variant (Variation ID: 1060087). Algorithms developed to predict the effect of sequence changes on RNA splicing suggest that this variant may disrupt the consensus splice site. In summary, the available evidence is currently insufficient to determine the role of this variant in disease. Therefore, it has been classified as a Variant of Uncertain Significance.